The following is an entry in ClinVar:

ClinVar aggregate classification (germline): Uncertain significance (1 of 4 stars; one submission).

Conditions:
Usher syndrome type 3B. Also called: USHER SYNDROME, TYPE IIIB. Identifiers: MedGen C3281066, MONDO:0013788, OMIM 614504.

Allele frequency attached by ClinVar (database versions not stated): gnomAD exomes below 0.00001; TOPMed below 0.00001; gnomAD 0.00001; ExAC 0.00002.
gnomAD v4.1: 2 of 1,606,066 alleles (0.00012%); highest among the groups gnomAD compares: East Asian, 0.0045%; no homozygotes.

Submission:

Labcorp Genetics (formerly Invitae), Labcorp
Classification: Uncertain significance for Usher syndrome type 3B. Last evaluated: 2022-04-20. Review status: criteria provided, single submitter. Criteria: Invitae Variant Classification Sherloc (09022015). Collection method: clinical testing. Allele origin: germline.
Comment: In summary, the available evidence is currently insufficient to determine the role of this variant in disease. Therefore, it has been classified as a Variant of Uncertain Significance. This sequence change replaces lysine, which is basic and polar, with arginine, which is basic and polar, at codon 25 of the HARS protein (p.Lys25Arg). The frequency data for this variant in the population databases is considered unreliable, as metrics indicate poor data quality at this position in the gnomAD database. This variant has not been reported in the literature in individuals affected with HARS-related conditions. Algorithms developed to predict the effect of missense changes on protein structure and function (SIFT, PolyPhen-2, Align-GVGD) all suggest that this variant is likely to be tolerated.

NM_002109.6(HARS1):c.74A>G (p.Lys25Arg)

Genes: HARS1 (histidyl-tRNA synthetase 1; minus strand), LOC129994848 (ATAC-STARR-seq lymphoblastoid active region 23285; plus strand). Cytogenetic location: 5q31.3.
Variant type: single nucleotide variant.
Coding change: c.74A>G on transcript NM_002109.6 (MANE Select); coding-DNA position 74, A replaced by G.
Protein change: p.Lys25Arg; replaces lysine 25 with arginine.
Molecular consequence: missense variant. On other transcripts: intron variant (1).
Genome position (GRCh38, 1-based): chr5:140,691,231, T>C on the plus strand (A>G on the coding strand, the complement: HARS1 is on the minus strand). VCF-style: chr5-140691231-T-C. GRCh37 (hg19) VCF-style: chr5-140070816-T-C.
Other names: c.74A>G, p.Lys25Arg (NM_001258040.3, NM_001258041.3, NM_001258042.3 and 2 more transcripts); c.3+71A>G (NM_001289094.2); short protein forms K25R.
Identifiers: ClinVar variation 2128577 (VCV002128577.4), dbSNP rs769640201, ClinGen allele CA3444226.